The following is an entry in ClinVar:

NM_002354.3(EPCAM):c.670T>C (p.Ser224Pro)

Gene: EPCAM (epithelial cell adhesion molecule; plus strand). Cytogenetic location: 2p21.
Variant type: single nucleotide variant.
Coding change: c.670T>C on transcript NM_002354.3 (MANE Select); coding-DNA position 670, T replaced by C.
Protein change: p.Ser224Pro; replaces serine 224 with proline.
Molecular consequence: missense variant.
Genome position (GRCh38, 1-based): chr2:47,379,781, T>C. VCF-style: chr2-47379781-T-C. GRCh37 (hg19) VCF-style: chr2-47606920-T-C.
Other names: short protein forms S224P.
Identifiers: ClinVar variation 4018558 (VCV004018558.1).

ClinVar aggregate classification (germline): Uncertain significance (1 of 4 stars; one submission).

Conditions:
Hereditary cancer-predisposing syndrome. Also called: Tumor predisposition; Hereditary neoplastic syndrome; Neoplastic Syndromes, Hereditary; Hereditary Cancer Syndrome. Identifiers: Orphanet 140162, MedGen C0027672, MeSH D009386, MONDO:0015356.

Submission:

Ambry Genetics
Classification: Uncertain significance for Hereditary cancer-predisposing syndrome. Last evaluated: 2025-03-29. Review status: criteria provided, single submitter. Criteria: Ambry Variant Classification Scheme 2023. Collection method: clinical testing. Allele origin: germline.
Comment: The p.S224P variant (also known as c.670T>C), located in coding exon 7 of the EPCAM gene, results from a T to C substitution at nucleotide position 670. The serine at codon 224 is replaced by proline, an amino acid with similar properties. This amino acid position is conserved. In addition, this alteration is predicted to be tolerated by in silico analysis. Based on the available evidence, the clinical significance of this variant remains unclear.